The following is an entry in ClinVar:

NM_003722.5(TP63):c.-58A>T

Genes: TP63 (tumor protein p63; plus strand), LOC111162620 (TAp63 promoter of tumor protein p63; plus strand). Cytogenetic location: 3q28.
Variant type: single nucleotide variant.
Coding change: c.-58A>T on transcript NM_003722.5 (MANE Select); 58 bases upstream of the start codon, A replaced by T.
Molecular consequence: 5 prime UTR variant. On other transcripts: intron variant (1).
Genome position (GRCh38, 1-based): chr3:189,631,458, A>T. VCF-style: chr3-189631458-A-T. GRCh37 (hg19) VCF-style: chr3-189349247-A-T.
Other names: c.-58A>T (NM_001114978.2, NM_001114979.2, NM_001329144.2 and 1 more transcripts); c.56+34220A>T (NM_001329964.2).
Identifiers: ClinVar variation 344379 (VCV000344379.8), dbSNP rs28673064, ClinGen allele CA10618211.
Genomic context (GRCh38, chr3:189,631,458, plus strand): 5'-ATAGCATTTGACCCTATTGCTTTTAGCCTCCCGGCTTTATATCTATATATACACAGGTAT[A>T]TGTGTATATTTTATATAATTGTTCTCCGTTCGTTGATATCAAAGACAGTTGAAGGAAATG-3'

ClinVar aggregate classification (germline): Benign. Review status: criteria provided, multiple submitters, no conflicts (2 of 4 stars). 5 submissions from 3 submitters: Benign (5). Last evaluated 2018-01-13.

Conditions:
Orofacial cleft 8. Also called: Cleft lip with or without cleft palate, nonsyndromic, 8. Identifiers: MedGen C1851878, MONDO:0029145, OMIM 618149.
TP63-Related Spectrum Disorders.
Ectrodactyly, ectodermal dysplasia, and cleft lip-palate syndrome 3. Also called: Ectrodactyly, Ectodermal Dysplasia, Clefting Syndrome; EEC SYNDROME 3; Ectrodactyly, Ectodermal Dysplasia, Clefting Syndrome Type 3 (EEC3); Ectrodactyly, Ectodermal Dysplasia, Cleft Lip/Palate Syndrome 3 (EEC3). Identifiers: Orphanet 1896, MedGen C1858562, MONDO:0011428, OMIM 604292.

Allele frequency attached by ClinVar (database versions not stated): TOPMed 0.44276; gnomAD 0.45321 and 0.45625; ESP Exome Variant Server 0.45839; 1000 Genomes Project 30x 0.48001; 1000 Genomes Project 0.48762.
gnomAD v4.1: 771,214 of 1,608,672 alleles (48%); highest among the groups gnomAD compares: East Asian, 74%; 187,736 homozygotes.

Submissions (5):

Illumina Laboratory Services, Illumina
Classification: Benign for TP63-Related Spectrum Disorders. Last evaluated: 2018-01-13. Review status: criteria provided, single submitter. Criteria: ICSL Variant Classification Criteria 13 December 2019. Collection method: clinical testing. Allele origin: germline.
Comment: This variant was observed in the ICSL laboratory as part of a predisposition screen in an ostensibly healthy population. It had not been previously curated by ICSL or reported in the Human Gene Mutation Database (HGMD: prior to June 1st, 2018), and was therefore a candidate for classification through an automated scoring system. Utilizing variant allele frequency, disease prevalence and penetrance estimates, and inheritance mode, an automated score was calculated to assess if this variant is too frequent to cause the disease. Based on the score and internal cut-off values, a variant classified as benign is not then subjected to further curation. The score for this variant resulted in a classification of benign for this disease.

Illumina Laboratory Services, Illumina
Classification: Benign for Orofacial cleft 8. Last evaluated: 2018-01-13. Review status: criteria provided, single submitter. Criteria: ICSL Variant Classification Criteria 13 December 2019. Collection method: clinical testing. Allele origin: germline.
Comment: the same text as in the submission from Illumina Laboratory Services, Illumina above.

Illumina Laboratory Services, Illumina
Classification: Benign for Ectrodactyly, ectodermal dysplasia, and cleft lip-palate syndrome 3. Last evaluated: 2018-01-13. Review status: criteria provided, single submitter. Criteria: ICSL Variant Classification Criteria 13 December 2019. Collection method: clinical testing. Allele origin: germline.
Comment: the same text as in the submission from Illumina Laboratory Services, Illumina above.

GeneDx
Classification: Benign. Last evaluated: 2015-03-03. Review status: criteria provided, single submitter. Criteria: GeneDx Variant Classification Process June 2021. Collection method: clinical testing. Allele origin: germline. Affected: yes.

Breakthrough Genomics
Classification: Benign. Review status: criteria provided, single submitter. Criteria: ACMG Guidelines, 2015. Collection method: not provided. Allele origin: germline. Inheritance: Autosomal dominant inheritance. Affected: yes.